The following is an entry in ClinVar:

ClinVar aggregate classification (germline): Uncertain significance (1 of 4 stars; one submission).

Conditions:
Inborn genetic diseases. Identifiers: MedGen C0950123, MeSH D030342.

Allele frequency attached by ClinVar (database versions not stated): gnomAD exomes below 0.00001.

Submission:

Ambry Genetics
Classification: Uncertain significance for Inborn genetic diseases. Last evaluated: 2022-06-28. Review status: criteria provided, single submitter. Criteria: Ambry Variant Classification Scheme 2023. Collection method: clinical testing. Allele origin: germline.
Comment: The p.P775R variant (also known as c.2324C>G), located in coding exon 10 of the ATR gene, results from a C to G substitution at nucleotide position 2324. The proline at codon 775 is replaced by arginine, an amino acid with dissimilar properties. This amino acid position is conserved. In addition, this alteration is predicted to be tolerated by in silico analysis. Since supporting evidence is limited at this time, the clinical significance of this alteration remains unclear.

NM_001184.4(ATR):c.2324C>G (p.Pro775Arg)

Gene: ATR (ATR checkpoint kinase; minus strand). Cytogenetic location: 3q23.
Variant type: single nucleotide variant.
Coding change: c.2324C>G on transcript NM_001184.4 (MANE Select); coding-DNA position 2324, C replaced by G.
Protein change: p.Pro775Arg; replaces proline 775 with arginine.
Molecular consequence: missense variant.
Genome position (GRCh38, 1-based): chr3:142,555,894, G>C on the plus strand (C>G on the coding strand, the complement: ATR is on the minus strand). VCF-style: chr3-142555894-G-C. GRCh37 (hg19) VCF-style: chr3-142274736-G-C.
Other names: c.2132C>G, p.Pro711Arg (NM_001354579.2); short protein forms P711R, P775R.
Identifiers: ClinVar variation 1789622 (VCV001789622.2), dbSNP rs2034651070, ClinGen allele CA354818350.